The following is an entry in ClinVar:

NM_001201543.2(FAM161A):c.1391A>G (p.His464Arg)

Gene: FAM161A (FAM161 centrosomal protein A; minus strand). Cytogenetic location: 2p15.
Variant type: single nucleotide variant.
Coding change: c.1391A>G on transcript NM_001201543.2 (MANE Select); coding-DNA position 1391, A replaced by G.
Protein change: p.His464Arg; replaces histidine 464 with arginine.
Molecular consequence: missense variant. On other transcripts: non-coding transcript variant (1).
Genome position (GRCh38, 1-based): chr2:61,839,613, T>C on the plus strand (A>G on the coding strand, the complement: FAM161A is on the minus strand). VCF-style: chr2-61839613-T-C. GRCh37 (hg19) VCF-style: chr2-62066748-T-C.
Other names: c.1391A>G, p.His464Arg (NM_032180.3); short protein forms H464R.
Identifiers: ClinVar variation 731343 (VCV000731343.17), dbSNP rs201315315, ClinGen allele CA1679165.
Genomic context (GRCh38, chr2:61,839,613, plus strand): 5'-TTTAAATTTTCTTCATCTGCTTCGATGTCTGCCAAAATTTTTTCTCTTTTAATAGATGCA[T>C]GTGGAGATGCATGAAGATCAAATGGTTTACACACTGTTAAGAGTTTTGGAGACTTGTGTT-3'
Protein context (NP_001188472.1, residues 454-474): CKPFDLHASP[His464Arg]ASIKREKILA

ClinVar aggregate classification (germline): Conflicting classifications of pathogenicity. Review status: criteria provided, conflicting classifications (1 of 4 stars). 5 submissions from 5 submitters: Uncertain significance (1); Benign (1); Likely benign (3). Last evaluated 2026-01-24.

Conditions:
FAM161A-related disorder. Also called: FAM161A-related condition.
Retinal dystrophy. Also called: Inherited retinal dystrophy. Identifiers: Orphanet 71862, MedGen C0854723, MeSH D058499, MONDO:0019118, HP:0000556.
Retinitis pigmentosa (RP). Identifiers: Orphanet 791, MedGen C0035334, MeSH D012174, MONDO:0019200, OMIM 268000. Inheritance: Autosomal dominant, autosomal recessive and X linked inheritance.

Allele frequency attached by ClinVar (database versions not stated): gnomAD 0.00014 and 0.00024; gnomAD exomes 0.00016 and 0.00026; TOPMed 0.00024; ExAC 0.00027; 1000 Genomes Project 0.00040; 1000 Genomes Project 30x 0.00047; ESP Exome Variant Server 0.00008.
gnomAD v4.1: 284 of 1,614,214 alleles (0.018%); highest among the groups gnomAD compares: East Asian, 0.52%; 1 homozygote.

Submissions (5):

Labcorp Genetics (formerly Invitae), Labcorp
Classification: Likely benign. Last evaluated: 2026-01-24. Review status: criteria provided, single submitter. Criteria: Invitae Variant Classification Sherloc (09022015). Collection method: clinical testing. Allele origin: germline.

PreventionGenetics, part of Exact Sciences
Classification: Likely benign for FAM161A-related condition. Last evaluated: 2025-03-17. Review status: criteria provided, single submitter. Criteria: ACMG Guidelines, 2015. Collection method: clinical testing. Allele origin: germline.
Comment: This variant is classified as likely benign based on ACMG/AMP sequence variant interpretation guidelines (Richards et al. 2015 PMID: 25741868, with internal and published modifications).

Blueprint Genetics
Classification: Benign. Last evaluated: 2024-03-11. Review status: criteria provided, single submitter. Criteria: ACMG Guidelines, 2015. Collection method: clinical testing. Allele origin: germline.

Dept Of Ophthalmology, Nagoya University
Classification: Likely benign for Retinal dystrophy. Last evaluated: 2023-10-01. Review status: criteria provided, single submitter. Criteria: Submitter's publication. Collection method: research. Allele origin: germline. Affected: yes.

Illumina Laboratory Services, Illumina
Classification: Uncertain significance for Retinitis pigmentosa. Last evaluated: 2017-05-26. Review status: criteria provided, single submitter. Criteria: ICSL Variant Classification Criteria 13 December 2019. Collection method: clinical testing. Allele origin: germline.
Comment: This variant was observed as part of a predisposition screen in an ostensibly healthy population. A literature search was performed for the gene, cDNA change, and amino acid change (where applicable). Publications were found based on this search. However, the evidence from the literature, in combination with allele frequency data from public databases where available, was not sufficient to rule this variant in or out of causing disease. Therefore, this variant is classified as a variant of unknown significance.

Literature cited by the submitters: PubMed 24651477 (cited by Illumina Laboratory Services, Illumina).